The following is an entry in ClinVar:

NM_001365536.1(SCN9A):c.2033del (p.Asp678fs)

Genes: SCN1A-AS1 (SCN1A and SCN9A antisense RNA 1; plus strand), SCN9A (sodium voltage-gated channel alpha subunit 9; minus strand). Cytogenetic location: 2q24.3.
Variant type: Deletion.
Coding change: c.2033del on transcript NM_001365536.1 (MANE Select); coding-DNA position 2033, one base deleted (A; older notation c.2033delA).
Protein change: p.Asp678fs; shifts the reading frame from aspartic acid 678.
Molecular consequence: frameshift variant.
Genome position (GRCh38, 1-based): chr2:166,281,750, T deleted on the plus strand (A on the coding strand, the reverse complement: SCN9A is on the minus strand). VCF-style (leftmost placement, unchanged base first): chr2-166281749-AT-A. GRCh37 (hg19) VCF-style: chr2-167138259-AT-A.
Other names: c.2000delA, p.Asp667Valfs (NM_002977.4); c.2000delA (NM_002977.3); short protein forms D667fs, D678fs.
Identifiers: ClinVar variation 657338 (VCV000657338.7), dbSNP rs1574859556, ClinGen allele CA915942964.
Genomic context (GRCh38, chr2:166,281,749, plus strand): 5'-GTTTGTTAATATGCTTGCTCTACTCATTGCTCTCTGTCTGAGGTTGGGATCATTCAGCAT[AT>A]CCTCTGAAAGGAGATAGGAACTACAACGCCTTTTCTTGTGTATTTGATTGGTCGTGCCCT-3'

ClinVar aggregate classification (germline): Pathogenic (1 of 4 stars; one submission).

Conditions:
Neuropathy, hereditary sensory and autonomic, type 2A (HSAN2A). Also called: HSAN IIA; MORVAN DISEASE; NEUROPATHY, CONGENITAL SENSORY; NEUROPATHY, HEREDITARY SENSORY RADICULAR, AUTOSOMAL RECESSIVE; NEUROPATHY, HEREDITARY SENSORY, TYPE IIA; NEUROPATHY, PROGRESSIVE SENSORY, OF CHILDREN. Identifiers: Orphanet 970, MedGen C2752089, MONDO:0024309, OMIM 201300.
Generalized epilepsy with febrile seizures plus, type 7 (GEFSP7). Also called: GEFS+, TYPE 7. Identifiers: Orphanet 36387, MedGen C2751778, MONDO:0013470, OMIM 613863.

Allele frequency attached by ClinVar (database versions not stated): gnomAD exomes below 0.00001.

Submission:

Labcorp Genetics (formerly Invitae), Labcorp
Classification: Pathogenic for Neuropathy, hereditary sensory and autonomic, type 2A; Generalized epilepsy with febrile seizures plus, type 7. Last evaluated: 2025-08-07. Review status: criteria provided, single submitter. Criteria: Invitae Variant Classification Sherloc (09022015). Collection method: clinical testing. Allele origin: germline.
Comment: This sequence change creates a premature translational stop signal (p.Asp667Valfs*3) in the SCN9A gene. It is expected to result in an absent or disrupted protein product. Loss-of-function variants in SCN9A are known to be pathogenic (PMID: 17470132, 19304393). This variant is not present in population databases (gnomAD no frequency). This variant has not been reported in the literature in individuals affected with SCN9A-related conditions. ClinVar contains an entry for this variant (Variation ID: 657338). For these reasons, this variant has been classified as Pathogenic.

Literature cited by the submitters: PubMed 17470132; PubMed 19304393.